The following is an entry in ClinVar:

NM_001039141.3(TRIOBP):c.3369C>T (p.Ser1123=)

Gene: TRIOBP (TRIO and F-actin binding protein; plus strand). Cytogenetic location: 22q13.1.
Variant type: single nucleotide variant.
Coding change: c.3369C>T on transcript NM_001039141.3 (MANE Select); coding-DNA position 3369, C replaced by T.
Protein change: p.Ser1123=; no amino-acid change (serine 1123 retained).
Molecular consequence: synonymous variant.
Genome position (GRCh38, 1-based): chr22:37,725,925, C>T. VCF-style: chr22-37725925-C-T. GRCh37 (hg19) VCF-style: chr22-38121932-C-T.
Identifiers: ClinVar variation 1219472 (VCV001219472.14), dbSNP rs201366345, ClinGen allele CA10224107.

ClinVar aggregate classification (germline): Likely benign. Review status: criteria provided, multiple submitters, no conflicts (2 of 4 stars). 4 submissions from 4 submitters: Likely benign (3). 1 of the submissions does not count toward it. Last evaluated 2025-06-22.

Conditions:
TRIOBP-related disorder. Also called: TRIOBP-related condition.

Allele frequency attached by ClinVar (database versions not stated): gnomAD exomes 0.00003 and 0.00006; ExAC 0.00005; gnomAD 0.00039 and 0.00041; TOPMed 0.00085; 1000 Genomes Project 30x 0.00141; 1000 Genomes Project 0.00160.
gnomAD v4.1: 118 of 1,613,774 alleles (0.0073%); highest among the groups gnomAD compares: Admixed American, 0.16%; 1 homozygote.

Submissions (4):

Labcorp Genetics (formerly Invitae), Labcorp
Classification: Likely benign. Last evaluated: 2025-06-22. Review status: criteria provided, single submitter. Criteria: Invitae Variant Classification Sherloc (09022015). Collection method: clinical testing. Allele origin: germline.

Blueprint Genetics
Classification: Likely benign. Last evaluated: 2022-05-10. Review status: criteria provided, single submitter. Criteria: ACMG Guidelines, 2015. Collection method: clinical testing. Allele origin: germline.

GeneDx
Classification: Likely benign. Last evaluated: 2021-02-24. Review status: criteria provided, single submitter. Criteria: GeneDx Variant Classification Process June 2021. Collection method: clinical testing. Allele origin: germline. Affected: yes.

PreventionGenetics, part of Exact Sciences
Classification: Likely benign for TRIOBP-related condition. Last evaluated: 2019-06-14. Review status: no assertion criteria provided. Collection method: clinical testing. Allele origin: germline. Not counted in ClinVar's aggregate classification.
Comment: This variant is classified as likely benign based on ACMG/AMP sequence variant interpretation guidelines (Richards et al. 2015 PMID: 25741868, with internal and published modifications).